The following is an entry in ClinVar:

NM_001165963.4(SCN1A):c.4580G>C (p.Gly1527Ala)

Genes: SCN1A (sodium voltage-gated channel alpha subunit 1; minus strand), LOC102724058 (uncharacterized LOC102724058; plus strand). Cytogenetic location: 2q24.3.
Variant type: single nucleotide variant.
Coding change: c.4580G>C on transcript NM_001165963.4 (MANE Select); coding-DNA position 4580, G replaced by C.
Protein change: p.Gly1527Ala; replaces glycine 1527 with alanine.
Molecular consequence: missense variant. On other transcripts: non-coding transcript variant (1).
Genome position (GRCh38, 1-based): chr2:165,996,014, C>G on the plus strand (G>C on the coding strand, the complement: SCN1A is on the minus strand). VCF-style: chr2-165996014-C-G. GRCh37 (hg19) VCF-style: chr2-166852524-C-G.
Other names: c.4496G>C, p.Gly1499Ala (NM_001165964.3, NM_001353957.2, NM_001353958.2); c.4580G>C, p.Gly1527Ala (NM_001202435.3, NM_001353948.2); c.4547G>C, p.Gly1516Ala (NM_001353949.2, NM_001353950.2, NM_001353951.2 and 2 more transcripts); c.4544G>C, p.Gly1515Ala (NM_001353954.2, NM_001353955.2); c.4493G>C, p.Gly1498Ala (NM_001353960.2); c.2138G>C, p.Gly713Ala (NM_001353961.2); short protein forms G1498A, G1499A, G1515A, G1516A, G1527A, G713A.
Identifiers: ClinVar variation 950131 (VCV000950131.10), dbSNP rs751929295, ClinGen allele CA349048539.

ClinVar aggregate classification (germline): Uncertain significance (1 of 4 stars; one submission).

Conditions:
Early-infantile DEE. Also called: Early infantile epileptic encephalopathy; Ohtahara syndrome; Early infantile epileptic encephalopathy with suppression bursts. Identifiers: Orphanet 1934, MedGen C0393706, MONDO:0800491.

Allele frequency attached by ClinVar (database versions not stated): gnomAD 0.00001.
gnomAD v4.1: 1 of 1,588,904 alleles (0.000063%); highest among the groups gnomAD compares: African/African-American, 0.0013%; no homozygotes.

Submission:

Labcorp Genetics (formerly Invitae), Labcorp
Classification: Uncertain significance for Early-infantile DEE. Last evaluated: 2022-10-21. Review status: criteria provided, single submitter. Criteria: Invitae Variant Classification Sherloc (09022015). Collection method: clinical testing. Allele origin: germline.
Comment: This sequence change replaces glycine, which is neutral and non-polar, with alanine, which is neutral and non-polar, at codon 1527 of the SCN1A protein (p.Gly1527Ala). The frequency data for this variant in the population databases is considered unreliable, as metrics indicate poor data quality at this position in the gnomAD database. In summary, the available evidence is currently insufficient to determine the role of this variant in disease. Therefore, it has been classified as a Variant of Uncertain Significance. Algorithms developed to predict the effect of missense changes on protein structure and function (SIFT, PolyPhen-2, Align-GVGD) all suggest that this variant is likely to be tolerated. ClinVar contains an entry for this variant (Variation ID: 950131). This variant has not been reported in the literature in individuals affected with SCN1A-related conditions.